The following is an entry in ClinVar:

ClinVar aggregate classification (germline): Conflicting classifications of pathogenicity. Review status: criteria provided, conflicting classifications (1 of 4 stars). 16 submissions from 16 submitters: Likely pathogenic (1); Uncertain significance (13). 2 of the submissions do not count toward it. Last evaluated 2026-09-21.

Conditions:
NEXN-related disorder. Also called: NEXN-related disorders; NEXN-related condition.
Cardiovascular phenotype. Identifiers: MedGen CN230736.
Dilated cardiomyopathy 1CC (CMD1CC). Identifiers: Orphanet 154, MedGen C2751084, MONDO:0013147, OMIM 613122.
Hypertrophic cardiomyopathy 20. Identifiers: MedGen C3151267, MONDO:0013477, OMIM 613876.
Cardiomyopathy (CMYO). Also called: Cardiomyopathies. Identifiers: Orphanet 167848, MedGen C0878544, MONDO:0004994, HP:0001638. Inheritance: Various modes of inheritance.

Submissions 1 to 12 of 16:

Molecular Diagnostic Laboratory for Inherited Cardiovascular Disease, Montreal Heart Institute
Classification: Uncertain significance for Cardiovascular phenotype. Last evaluated: 2026-09-21. Review status: criteria provided, single submitter. Criteria: ACMG Guidelines, 2015. Collection method: clinical testing. Allele origin: germline. Affected: yes.
Comment: PS3_mod, PM4, BS1

PreventionGenetics, part of Exact Sciences
Classification: Uncertain significance for NEXN-related condition. Last evaluated: 2026-05-18. Review status: criteria provided, single submitter. Criteria: ACMG Guidelines, 2015. Collection method: clinical testing. Allele origin: germline.
Comment: The NEXN c.1949_1951delGAG variant is predicted to result in an in-frame deletion (p.Gly650del). This variant has been reported in the heterozygous and homozygous states in individuals with dilated cardiomyopathy (see, for example: Hassel et al. 2009. PubMed ID: 19881492; Bruyndonckx et al. 2021. PubMed ID: 33949776; Table S1, Perotto et al. 2025. PubMed ID: 40680702). Experimental studies in zebrafish and mice indicate this variant impacts protein function, with the mouse model indicating an impact when the variant was in the homozygous state (Hassel et al. 2009. PubMed ID: 19881492; Liu et al. 2020. PubMed ID: 32814711). This variant is reported in 0.021% of alleles in individuals of European (non-Finnish) descent in gnomAD. At this time, the clinical significance of this variant is uncertain due to the absence of conclusive functional and genetic evidence.

Labcorp Genetics (formerly Invitae), Labcorp
Classification: Uncertain significance for Dilated cardiomyopathy 1CC; Hypertrophic cardiomyopathy 20. Last evaluated: 2026-01-06. Review status: criteria provided, single submitter. Criteria: Invitae Variant Classification Sherloc (09022015). Collection method: clinical testing. Allele origin: germline.
Comment: This variant, c.1949_1951del, results in the deletion of 1 amino acid(s) of the NEXN protein (p.Gly650del), but otherwise preserves the integrity of the reading frame. This variant is present in population databases (rs760927219, gnomAD 0.02%). This variant has been observed in individual(s) with clinical features of dilated cardiomyopathy (PMID: 19881492, 31737537, 33949776). Algorithms developed to predict the effect of variants on gene product structure and function are not available or were not evaluated for this variant. Experimental studies have shown that this variant affects NEXN function (PMID: 19881492, 32814711). In summary, the available evidence is currently insufficient to determine the role of this variant in disease. Therefore, it has been classified as a Variant of Uncertain Significance.

Mayo Clinic Laboratories, Mayo Clinic
Classification: Uncertain significance. Last evaluated: 2025-09-30. Review status: criteria provided, single submitter. Criteria: ACMG Guidelines, 2015. Collection method: clinical testing. Allele origin: germline. Observed: 1 variant allele.
Comment: PM4, PS3_supporting, PS4_moderate

Ambry Genetics
Classification: Uncertain significance for Cardiovascular phenotype. Last evaluated: 2025-03-04. Review status: criteria provided, single submitter. Criteria: Ambry Variant Classification Scheme 2023. Collection method: clinical testing. Allele origin: germline.
Comment: The c.1949_1951delGAG variant (also known as p.G650del) is located in coding exon 12 of the NEXN gene. This variant results from an in-frame deletion of 3 nucleotides at positions 1949 to 1951. This results in the in-frame deletion of a glycine residue at codon 650. This variant was reported in individual(s) with features consistent with dilated cardiomyopathy (DCM) (Hassel D et al. Nat Med. 2009;15(11):1281-8; Marschall C et al. Cardiovasc Diagn Ther. 2019 Oct;9 (Suppl 2):S292-S298; Bruyndonckx L. Am J Med Genet A. 2021 Aug;185(8):2464-2470). Functional studies indicated that p.G650del overexpression in zebrafish disrupted sarcomeric units and destabilized Z-disks, but the clinical relevance of this finding is unclear (Hassel D et al. Nat Med. 2009;15(11):1281-8). A knock-in mouse model homozygous for the equivalent of this variant recapitulated DCM phenotype; however, heterozygous mice did not demonstrate phenotype (Liu C et al. JCI Insight. 2020 08;5(16)). This amino acid position is highly conserved in available vertebrate species. In addition, this alteration is predicted to be deleterious by in silico analysis (Choi Y et al. PLoS ONE. 2012; 7(10):e46688). Based on the available evidence, the clinical significance of this variant remains unclear.

GeneDx
Classification: Uncertain significance. Last evaluated: 2025-02-25. Review status: criteria provided, single submitter. Criteria: GeneDx Variant Classification Process June 2021. Collection method: clinical testing. Allele origin: germline. Affected: yes.
Comment: Reported in several individuals with dilated cardiomyopathy and one individual with unspecified arrhythmogenic disorder (PMID: 19881492, 31737537, 33949776); In vivo functional studies demonstrated that c.1949_1951delGAG resulted in cardiomyopathy and altered cell dynamics; however, it is unclear whether these findings are of clinical relevance (PMID: 19881492, 32814711); In-frame deletion of 1 amino acid in a non-repeat region; In silico analysis supports a deleterious effect on protein structure/function; This variant is associated with the following publications: (PMID: 20970104, 31737537, 34426522, 36935760, PerottoM2023[Abstract], 38059363, 33949776, 36129056, 32814711, 19881492)

Blueprint Genetics
Classification: Likely pathogenic for NEXN-related disorders. Last evaluated: 2024-09-17. Review status: criteria provided, single submitter. Criteria: ACMG Guidelines, 2015. Collection method: clinical testing. Allele origin: germline. Affected: yes. Observed: 5 variant alleles.

Clinical Genetics Laboratory, Skane University Hospital Lund
Classification: Uncertain significance. Last evaluated: 2024-02-06. Review status: criteria provided, single submitter. Criteria: ACMG Guidelines, 2015. Collection method: clinical testing. Allele origin: germline. Affected: yes.

Women's Health and Genetics/Laboratory Corporation of America, LabCorp
Classification: Uncertain significance. Last evaluated: 2023-11-07. Review status: criteria provided, single submitter. Criteria: LabCorp Variant Classification Summary - May 2015. Collection method: clinical testing. Allele origin: germline.
Comment: Variant summary: NEXN c.1949_1951delGAG (p.Gly650del) results in an in-frame deletion that is predicted to remove one amino acid from the immunoglobulin subtype domain (IPR003599) of the encoded protein. The variant allele was found at a frequency of 0.00011 in 248144 control chromosomes (gnomAD). The observed variant frequency is approximately 7-fold of the estimated maximal expected allele frequency for a pathogenic variant in NEXN causing Dilated Cardiomyopathy phenotype (1.6e-05), suggesting that the variant may be benign. c.1949_1951delGAG has been reported in the literature in multiple individuals affected with Dilated Cardiomyopathy, including those with a positive family history, but without sufficient genetic testing to establish whether the variant segregated in affected relatives, and several individuals reported with the variant had a mild phenotype and/or were asymptomatic (e.g. Hassel_2009, Marschall_2019, Bruyndonckx_2021). Experimental evidence evaluating an impact on protein function has been reported in a zebrafish and mouse model (e.g. Hassel_2009, Liu_2020). The variant resulted in a DCM phenotype in zebrafish and homozygous mice; however mice that were heterozygous for the variant did not develop signs of cardiac disease versus wild type controls, and the effect of the variant on nexin expression and stability was conflicting between these two studies. The clinical relevance of these findings is unclear and therefore does not allow convincing conclusions about the variant effect. The following publications have been ascertained in the context of this evaluation (PMID: 33949776, 19881492, 32814711, 31737537, 36129056). Seven submitters have cited clinical-significance assessments for this variant to ClinVar after 2014. All submitters classified the variant as uncertain significance. Based on the evidence outlined above, the variant was classified as uncertain significance.

CeGaT Center for Human Genetics Tuebingen
Classification: Uncertain significance. Last evaluated: 2023-05-01. Review status: criteria provided, single submitter. Criteria: CeGaT Center For Human Genetics Tuebingen Variant Classification Criteria Version 2. Collection method: clinical testing. Allele origin: germline. Affected: yes. Observed: 1 variant allele.
Comment: NEXN: PS4:Moderate, PM2:Supporting, PM4:Supporting, PS3:Supporting

Mendelics
Classification: Uncertain significance for Dilated cardiomyopathy 1CC. Last evaluated: 2023-04-11. Review status: criteria provided, single submitter. Criteria: Mendelics Assertion Criteria 2017. Collection method: clinical testing. Allele origin: unknown.

CHEO Genetics Diagnostic Laboratory, Children's Hospital of Eastern Ontario
Classification: Uncertain significance for Cardiomyopathy. Last evaluated: 2022-10-11. Review status: criteria provided, single submitter. Criteria: ACMG Guidelines, 2015. Collection method: clinical testing. Allele origin: germline. Study: Canadian Open Genetics Repository.

NM_144573.4(NEXN):c.1946GAG[1] (p.Gly650del)

Gene: NEXN (nexilin F-actin binding protein; plus strand). Cytogenetic location: 1p31.1.
Variant type: Microsatellite.
Coding change: c.1946GAG[1] on transcript NM_144573.4 (MANE Select); one copy of the 3-base unit GAG starting at c.1946; the reference has two copies in a row; one copy, 3 bases deleted; also written c.1949_1951del.
Protein change: p.Gly650del; deletes glycine 650.
Molecular consequence: inframe deletion.
Genome position (GRCh38, 1-based): chr1:77,942,750-77,942,752, GAG deleted; deleting any 3 consecutive bases within chr1:77,942,746-77,942,752 gives the same sequence; the position shown is the placement nearest the transcript's 3' end. VCF-style (leftmost placement, unchanged base first): chr1-77942745-TGGA-T. GRCh37 (hg19) VCF-style: chr1-78408430-TGGA-T.
Other names: c.1949_1951delGAG (NM_144573.3, NM_144573.4); c.1754GAG[1], p.Gly586del (NM_001172309.2); c.1949_1951del (NM_144573.4); short protein forms G650del, G586del.
Identifiers: ClinVar variation 47899 (VCV000047899.56), dbSNP rs397517853, ClinGen allele CA142140.